The following is an entry in ClinVar:

ClinVar aggregate classification (germline): Benign. Review status: criteria provided, multiple submitters, no conflicts (2 of 4 stars). 4 submissions from 3 submitters: Benign (4). Last evaluated 2021-07-01.

Conditions:
Muscular dystrophy-dystroglycanopathy (congenital with brain and eye anomalies), type A3. Also called: Congenital muscular dystrophy-dystroglycanopathy with brain and eye anomalies, type A3; WALKER-WARBURG SYNDROME OR MUSCLE-EYE-BRAIN DISEASE, POMGNT1-RELATED; Muscular dystrophy-dystroglycanopathy (congenital with brain and eye anomalies), type A, 3. Identifiers: MedGen C3151519, MONDO:0009667, OMIM 253280.
Retinitis pigmentosa 76 (RP76). Identifiers: MedGen C4310704, MONDO:0014929, OMIM 617123.

Allele frequency attached by ClinVar (database versions not stated): 1000 Genomes Project 0.33347; 1000 Genomes Project 30x 0.33463; TOPMed 0.34330; gnomAD 0.34766 and 0.34906; gnomAD exomes 0.35487.
gnomAD v4.1: 566,094 of 1,600,240 alleles (35%); highest among the groups gnomAD compares: South Asian, 45%; 101,937 homozygotes.

Submissions (4):

Genome-Nilou Lab
Classification: Benign for Muscular dystrophy-dystroglycanopathy (congenital with brain and eye anomalies), type A3. Last evaluated: 2021-07-01. Review status: criteria provided, single submitter. Criteria: ACMG Guidelines, 2015. Collection method: clinical testing. Allele origin: germline. Affected: no.

Genome-Nilou Lab
Classification: Benign for Retinitis pigmentosa 76. Last evaluated: 2021-07-01. Review status: criteria provided, single submitter. Criteria: ACMG Guidelines, 2015. Collection method: clinical testing. Allele origin: germline. Affected: no.

GeneDx
Classification: Benign. Last evaluated: 2018-06-14. Review status: criteria provided, single submitter. Criteria: GeneDx Variant Classification (06012015). Collection method: clinical testing. Allele origin: germline. Affected: yes.
Comment: This variant is considered likely benign or benign based on one or more of the following criteria: it is a conservative change, it occurs at a poorly conserved position in the protein, it is predicted to be benign by multiple in silico algorithms, and/or has population frequency not consistent with disease.

Breakthrough Genomics
Classification: Benign. Review status: criteria provided, single submitter. Criteria: ACMG Guidelines, 2015. Collection method: not provided. Allele origin: germline. Inheritance: Autosomal recessive inheritance. Affected: yes.

NM_017739.4(POMGNT1):c.1212-81C>T

Genes: POMGNT1 (protein O-linked mannose N-acetylglucosaminyltransferase 1 (beta 1,2-); minus strand), TSPAN1 (tetraspanin 1; plus strand). Cytogenetic location: 1p34.1.
Variant type: single nucleotide variant.
Coding change: c.1212-81C>T on transcript NM_017739.4 (MANE Select); 81 bases into the intron before coding-DNA position 1212, C replaced by T.
Molecular consequence: intron variant.
Genome position (GRCh38, 1-based): chr1:46,192,671, G>A on the plus strand (C>T on the coding strand, the complement: POMGNT1 is on the minus strand). VCF-style: chr1-46192671-G-A. GRCh37 (hg19) VCF-style: chr1-46658343-G-A.
Other names: c.1212-81C>T (NM_001243766.2, NM_001438686.1, NM_001438688.1 and 3 more transcripts); c.1146-81C>T (NM_001290129.3, NM_001438691.1, NM_001438692.1); c.783-81C>T (NM_001290130.2).
Identifiers: ClinVar variation 671037 (VCV000671037.5), dbSNP rs2292485, ClinGen allele CA15085264.